The following is an entry in ClinVar:

NM_004100.5(EYA4):c.233C>G (p.Thr78Arg)

Gene: EYA4 (EYA transcriptional coactivator and phosphatase 4; plus strand). Cytogenetic location: 6q23.2.
Variant type: single nucleotide variant.
Coding change: c.233C>G on transcript NM_004100.5 (MANE Select); coding-DNA position 233, C replaced by G.
Protein change: p.Thr78Arg; replaces threonine 78 with arginine.
Molecular consequence: missense variant. On other transcripts: intron variant (4).
Genome position (GRCh38, 1-based): chr6:133,448,135, C>G. VCF-style: chr6-133448135-C-G. GRCh37 (hg19) VCF-style: chr6-133769273-C-G.
Other names: c.233C>G, p.Thr78Arg (NM_001301013.2, NM_172105.4); c.208+1381C>G (NM_001370458.1, NM_172103.4, NM_001370459.1 and 1 more transcripts); short protein forms T78R.
Identifiers: ClinVar variation 191659 (VCV000191659.9), dbSNP rs201644472, ClinGen allele CA237182.

ClinVar aggregate classification (germline): Uncertain significance. Review status: criteria provided, multiple submitters, no conflicts (2 of 4 stars). 4 submissions from 4 submitters: Uncertain significance (4). Last evaluated 2026-03-05.

Conditions:
Dilated cardiomyopathy 1J (CMD1J). Also called: CARDIOMYOPATHY, DILATED, WITH SENSORINEURAL HEARING LOSS, AUTOSOMAL DOMINANT. Identifiers: Orphanet 217622, MedGen C1854368, MONDO:0011541, OMIM 605362.
Autosomal dominant nonsyndromic hearing loss 10. Identifiers: Orphanet 90635, MedGen C1832476, MONDO:0011031, OMIM 601316.
Cardiovascular phenotype. Identifiers: MedGen CN230736.

Allele frequency attached by ClinVar (database versions not stated): gnomAD 0.00001 and 0.00002; gnomAD exomes 0.00001 and below 0.00001; TOPMed 0.00001.
gnomAD v4.1: 12 of 1,613,654 alleles (0.00074%); highest among the groups gnomAD compares: African/African-American, 0.0013%; no homozygotes.

Submissions (4):

Ambry Genetics
Classification: Uncertain significance for Cardiovascular phenotype. Last evaluated: 2026-03-05. Review status: criteria provided, single submitter. Criteria: Ambry Variant Classification Scheme 2023. Collection method: clinical testing. Allele origin: germline.
Comment: The p.T78R variant (also known as c.233C>G), located in coding exon 4 of the EYA4 gene, results from a C to G substitution at nucleotide position 233. The threonine at codon 78 is replaced by arginine, an amino acid with similar properties. This amino acid position is highly conserved in available vertebrate species. In addition, this alteration is predicted to be deleterious by in silico analysis. Based on the available evidence, the clinical significance of this variant remains unclear.

Labcorp Genetics (formerly Invitae), Labcorp
Classification: Uncertain significance for Dilated cardiomyopathy 1J. Last evaluated: 2026-01-11. Review status: criteria provided, single submitter. Criteria: Invitae Variant Classification Sherloc (09022015). Collection method: clinical testing. Allele origin: germline.
Comment: This sequence change replaces threonine, which is neutral and polar, with arginine, which is basic and polar, at codon 78 of the EYA4 protein (p.Thr78Arg). This variant is present in population databases (rs201644472, gnomAD 0.0009%). This variant has not been reported in the literature in individuals affected with EYA4-related conditions. ClinVar contains an entry for this variant (Variation ID: 191659). An algorithm developed to predict the effect of missense changes on protein structure and function (PolyPhen-2) suggests that this variant is likely to be disruptive. In summary, the available evidence is currently insufficient to determine the role of this variant in disease. Therefore, it has been classified as a Variant of Uncertain Significance.

Fulgent Genetics
Classification: Uncertain significance for Autosomal dominant nonsyndromic hearing loss 10; Dilated cardiomyopathy 1J. Last evaluated: 2021-11-05. Review status: criteria provided, single submitter. Criteria: ACMG Guidelines, 2015. Collection method: clinical testing. Allele origin: unknown.

Biesecker Lab/Clinical Genomics Section, National Institutes of Health
Classification: Uncertain significance. Last evaluated: 2013-06-24. Review status: criteria provided, single submitter. Criteria: Ng et al. (Circ Cardiovasc Genet. 2013). Collection method: research. Allele origin: unknown. Observed: 1 variant allele. Study: ClinSeq.
Comment: The study set was not selected for affection status in relation to any cancer. Pathogenicity categories were based on literature curation. See Pubmed ID:23861362 for details.

Medical sequencing